The following is an entry in ClinVar:

ClinVar aggregate classification (germline): Likely benign. Review status: criteria provided, multiple submitters, no conflicts (2 of 4 stars). 2 submissions from 2 submitters: Likely benign (2). Last evaluated 2018-06-16.

Allele frequency attached by ClinVar (database versions not stated): 1000 Genomes Project 30x 0.02311; 1000 Genomes Project 0.02316; TOPMed 0.02753; gnomAD 0.02889 and 0.02914.
gnomAD v4.1: 43,503 of 1,183,844 alleles (3.7%); highest among the groups gnomAD compares: Middle Eastern, 5.2%; 982 homozygotes.

Submissions (2):

GeneDx
Classification: Likely benign. Last evaluated: 2018-06-16. Review status: criteria provided, single submitter. Criteria: GeneDx Variant Classification (06012015). Collection method: clinical testing. Allele origin: germline. Affected: yes.
Comment: This variant is considered likely benign or benign based on one or more of the following criteria: it is a conservative change, it occurs at a poorly conserved position in the protein, it is predicted to be benign by multiple in silico algorithms, and/or has population frequency not consistent with disease.

Breakthrough Genomics
Classification: Likely benign. Review status: criteria provided, single submitter. Criteria: ACMG Guidelines, 2015. Collection method: not provided. Allele origin: germline. Inheritance: Autosomal recessive inheritance. Affected: yes.

NM_018127.7(ELAC2):c.1079+91C>T

Gene: ELAC2 (elaC ribonuclease Z 2; minus strand). Cytogenetic location: 17p12.
Variant type: single nucleotide variant.
Coding change: c.1079+91C>T on transcript NM_018127.7 (MANE Select); 91 bases into the intron after coding-DNA position 1079, C replaced by T.
Molecular consequence: intron variant.
Genome position (GRCh38, 1-based): chr17:13,003,388, G>A on the plus strand (C>T on the coding strand, the complement: ELAC2 is on the minus strand). VCF-style: chr17-13003388-G-A. GRCh37 (hg19) VCF-style: chr17-12906705-G-A.
Other names: c.959+91C>T (NM_001165962.2); c.1079+91C>T (NM_173717.2).
Identifiers: ClinVar variation 676454 (VCV000676454.2), dbSNP rs78515379, ClinGen allele CA14473292.
Genomic context (GRCh38, chr17:13,003,388, plus strand): 5'-AGCCTAGAATTCTGGGAAGGCAGGAATCCCACAGAAAGTTTAGGCAGGTGCAGAAGGGTA[G>A]GTAGCGCTGGAAAGAGCACGAGGGGAGGAAAGGGGAATCCACCACTGCCCAGAAGAGTTA-3'